The following is an entry in ClinVar:

NM_001005361.3(DNM2):c.1494-19G>T

Gene: DNM2 (dynamin 2; plus strand). Cytogenetic location: 19p13.2.
Variant type: single nucleotide variant.
Coding change: c.1494-19G>T on transcript NM_001005361.3 (MANE Select); 19 bases into the intron before coding-DNA position 1494, G replaced by T.
Molecular consequence: intron variant.
Genome position (GRCh38, 1-based): chr19:10,805,897, G>T. VCF-style: chr19-10805897-G-T. GRCh37 (hg19) VCF-style: chr19-10916573-G-T.
Other names: c.1494-19G>T (NM_001005360.3, NM_001190716.2, NM_004945.4 and 1 more transcripts).
Identifiers: ClinVar variation 509232 (VCV000509232.1), dbSNP rs1032876620, ClinGen allele CA305245248.

ClinVar aggregate classification (germline): Likely benign (1 of 4 stars; one submission).

Allele frequency attached by ClinVar (database versions not stated): gnomAD exomes below 0.00001; TOPMed 0.00001; gnomAD 0.00001 and 0.00003.
gnomAD v4.1: 3 of 1,613,950 alleles (0.00019%); highest among the groups gnomAD compares: African/African-American, 0.004%; no homozygotes.

Submission:

GeneDx
Classification: Likely benign. Last evaluated: 2017-05-03. Review status: criteria provided, single submitter. Criteria: GeneDx Variant Classification (06012015). Collection method: clinical testing. Allele origin: germline. Affected: yes.
Comment: This variant is considered likely benign or benign based on one or more of the following criteria: it is a conservative change, it occurs at a poorly conserved position in the protein, it is predicted to be benign by multiple in silico algorithms, and/or has population frequency not consistent with disease.